The following is an entry in ClinVar:

ClinVar aggregate classification (germline): Benign/Likely benign. Review status: criteria provided, multiple submitters, no conflicts (2 of 4 stars). 2 submissions from 2 submitters: Benign (1); Likely benign (1). Last evaluated 2026-07-15.

Conditions:
Hereditary cancer-predisposing syndrome. Also called: Tumor predisposition; Neoplastic Syndromes, Hereditary; Hereditary Cancer Syndrome; Hereditary neoplastic syndrome. Identifiers: Orphanet 140162, MedGen C0027672, MeSH D009386, MONDO:0015356.
Rhabdoid tumor predisposition syndrome 2 (RTPS2). Identifiers: Orphanet 231108, Orphanet 69077, MedGen C2750074, MONDO:0013224, OMIM 613325.

Submissions (2):

Myriad Genetics, Inc.
Classification: Benign for Rhabdoid tumor predisposition syndrome 2. Last evaluated: 2026-07-15. Review status: criteria provided, single submitter. Criteria: Myriad Autosomal Dominant, Autosomal Recessive and X-Linked Classification Criteria (2023). Collection method: clinical testing. Allele origin: unknown.
Comment: This variant is considered benign. This variant is a silent/synonymous amino acid change and it is not expected to impact splicing.

Ambry Genetics
Classification: Likely benign for Hereditary cancer-predisposing syndrome. Last evaluated: 2017-04-21. Review status: criteria provided, single submitter. Criteria: Ambry Variant Classification Scheme 2023. Collection method: clinical testing. Allele origin: germline.

NM_003072.5(SMARCA4):c.3585G>A (p.Gln1195=)

Gene: SMARCA4 (SWI/SNF related BAF chromatin remodeling complex subunit ATPase 4; plus strand). Cytogenetic location: 19p13.2.
Variant type: single nucleotide variant.
Coding change: c.3585G>A on transcript NM_003072.5 (MANE Select); coding-DNA position 3585, G replaced by A.
Protein change: p.Gln1195=; no amino-acid change (glutamine 1195 retained).
Molecular consequence: synonymous variant. On other transcripts: non-coding transcript variant (1).
Genome position (GRCh38, 1-based): chr19:11,033,328, G>A. VCF-style: chr19-11033328-G-A. GRCh37 (hg19) VCF-style: chr19-11144004-G-A.
Other names: c.3585G>A, p.Gln1195= (NM_001128844.3, NM_001128845.2, NM_001128846.2 and 5 more transcripts).
Identifiers: ClinVar variation 484971 (VCV000484971.6), dbSNP rs1555784476, ClinGen allele CA505493037.